The following is an entry in ClinVar:

ClinVar aggregate classification (germline): Uncertain significance (1 of 4 stars; one submission).

Allele frequency attached by ClinVar (database versions not stated): gnomAD exomes below 0.00001.
gnomAD v4.1: 1 of 1,614,060 alleles (0.000062%); highest among the groups gnomAD compares: South Asian, 0.0011%; no homozygotes.

Submission:

Labcorp Genetics (formerly Invitae), Labcorp
Classification: Uncertain significance. Last evaluated: 2022-08-09. Review status: criteria provided, single submitter. Criteria: Invitae Variant Classification Sherloc (09022015). Collection method: clinical testing. Allele origin: germline.
Comment: Variants that disrupt the consensus splice site are a relatively common cause of aberrant splicing (PMID: 17576681, 9536098). Algorithms developed to predict the effect of sequence changes on RNA splicing suggest that this variant may disrupt the consensus splice site. Disruption of this splice site has been observed in individual(s) with Bietti crystalline corneoretinal dystrophy (PMID: 31741654). This variant is not present in population databases (gnomAD no frequency). This sequence change affects an acceptor splice site in intron 10 of the CYP4V2 gene. While this variant is not anticipated to result in nonsense mediated decay, it likely alters RNA splicing and results in a disrupted protein product. In summary, the available evidence is currently insufficient to determine the role of this variant in disease. Therefore, it has been classified as a Variant of Uncertain Significance.

Literature cited by the submitters: PubMed 17576681; PubMed 9536098; PubMed 31741654.

NM_207352.4(CYP4V2):c.1406-1G>A

Gene: CYP4V2 (cytochrome P450 family 4 subfamily V member 2; plus strand). Cytogenetic location: 4q35.2.
Variant type: single nucleotide variant.
Coding change: c.1406-1G>A on transcript NM_207352.4 (MANE Select); the canonical splice acceptor site of the intron before coding-DNA position 1406, G replaced by A.
Molecular consequence: splice acceptor variant.
Genome position (GRCh38, 1-based): chr4:186,210,468, G>A. VCF-style: chr4-186210468-G-A. GRCh37 (hg19) VCF-style: chr4-187131622-G-A.
Identifiers: ClinVar variation 1916260 (VCV001916260.5), dbSNP rs2476821510, ClinGen allele CA358950730.
Genomic context (GRCh38, chr4:186,210,468, plus strand): 5'-TTGTTTCTCACATTTGGGGTAAATCTATAACTAAAGCGATGGTATCTACATTAATTTGAA[G>A]GTCAAAAGTTTGCTGTGATGGAAGAAAAGACCATTCTTTCGTGCATCCTGAGGCACTTTT-3'